The following is an entry in ClinVar:

ClinVar aggregate classification (germline): Uncertain significance. Review status: criteria provided, multiple submitters, no conflicts (2 of 4 stars). 2 submissions from 2 submitters: Uncertain significance (2). Last evaluated 2023-12-13.

Conditions:
Arrhythmogenic right ventricular dysplasia 8 (ARVD8). Also called: Arrhythmogenic Right Ventricular Dysplasia/Cardiomyopathy 8; ARRHYTHMOGENIC RIGHT VENTRICULAR DYSPLASIA, FAMILIAL, 8; ARRHYTHMOGENIC RIGHT VENTRICULAR CARDIOMYOPATHY 8. Identifiers: MedGen C1843896, MONDO:0011831, OMIM 607450.
Arrhythmogenic cardiomyopathy with wooly hair and keratoderma. Also called: Dilated cardiomyopathy with woolly hair and keratoderma; Carvajal syndrome; Arrhythmogenic cardiomyopathy with woolly hair and keratoderma; PALMOPLANTAR KERATODERMA WITH LEFT VENTRICULAR CARDIOMYOPATHY AND WOOLLY HAIR. Identifiers: Orphanet 65282, MedGen C1854063, MONDO:0011581, OMIM 605676.

Allele frequency attached by ClinVar (database versions not stated): gnomAD exomes below 0.00001 and 0.00001; ExAC 0.00002.
gnomAD v4.1: 3 of 1,613,962 alleles (0.00019%); highest among the groups gnomAD compares: Non-Finnish European, 0.00025%; no homozygotes.

Submissions (2):

All of Us Research Program, National Institutes of Health
Classification: Uncertain significance for Arrhythmogenic cardiomyopathy with wooly hair and keratoderma. Last evaluated: 2023-12-13. Review status: criteria provided, single submitter. Criteria: ACMG Guidelines, 2015. Collection method: clinical testing. Allele origin: germline. Inheritance: Autosomal dominant inheritance. Observed: 1 variant allele, 1 heterozygote.
Comment: This missense variant replaces leucine with serine at codon 1486 of the DSP protein. Computational prediction suggests that this variant may not impact protein structure and function (internally defined REVEL score threshold <= 0.5, PMID: 27666373). To our knowledge, functional studies have not been reported for this variant. This variant has not been reported in individuals affected with DSP-related disorders in the literature. This variant has been identified in 2/250000 chromosomes in the general population by the Genome Aggregation Database (gnomAD). The available evidence is insufficient to determine the role of this variant in disease conclusively. Therefore, this variant is classified as a Variant of Uncertain Significance.

This study involves interpretation of variants in research participants for the purpose of population health screening. Participant phenotype was not available at the time of variant classification. Additional details can be found in publication PMID: 35346344, PMCID: PMC8962531

Labcorp Genetics (formerly Invitae), Labcorp
Classification: Uncertain significance for Arrhythmogenic cardiomyopathy with wooly hair and keratoderma; Arrhythmogenic right ventricular dysplasia 8. Last evaluated: 2020-06-04. Review status: criteria provided, single submitter. Criteria: Invitae Variant Classification Sherloc (09022015). Collection method: clinical testing. Allele origin: germline.
Comment: In summary, the available evidence is currently insufficient to determine the role of this variant in disease. Therefore, it has been classified as a Variant of Uncertain Significance. This sequence change replaces leucine with serine at codon 1486 of the DSP protein (p.Leu1486Ser). The leucine residue is highly conserved and there is a large physicochemical difference between leucine and serine. This variant is present in population databases (rs779863353, ExAC 0.003%). This variant has not been reported in the literature in individuals with DSP-related conditions. ClinVar contains an entry for this variant (Variation ID: 809869). Algorithms developed to predict the effect of missense changes on protein structure and function are either unavailable or do not agree on the potential impact of this missense change (SIFT: "Deleterious"; PolyPhen-2: "Possibly Damaging"; Align-GVGD: "Class C0").

NM_004415.4(DSP):c.4457T>C (p.Leu1486Ser)

Gene: DSP (desmoplakin; plus strand). Cytogenetic location: 6p24.3.
Variant type: single nucleotide variant.
Coding change: c.4457T>C on transcript NM_004415.4 (MANE Select); coding-DNA position 4457, T replaced by C.
Protein change: p.Leu1486Ser; replaces leucine 1486 with serine.
Molecular consequence: missense variant. On other transcripts: intron variant (2).
Genome position (GRCh38, 1-based): chr6:7,580,647, T>C. VCF-style: chr6-7580647-T-C. GRCh37 (hg19) VCF-style: chr6-7580880-T-C.
Other names: c.4050+407T>C (NM_001319034.2); c.3582+875T>C (NM_001008844.3); short protein forms L1486S.
Identifiers: ClinVar variation 809869 (VCV000809869.21), dbSNP rs779863353, ClinGen allele CA041580.
Genomic context (GRCh38, chr6:7,580,647, plus strand): 5'-AGCAATCTCTTGATGATGCTGCCAAAACCATCCAGGATAAAAACAAGGAGATAGAAAGGT[T>C]AAAACAACTGATCGACAAAGAAACAAATGACCGGAAATGCCTGGAAGATGAAAACGCGAG-3'
Protein context (NP_004406.2, residues 1476-1496): IQDKNKEIER[Leu1486Ser]KQLIDKETND